The following is an entry in ClinVar:

ClinVar aggregate classification (germline): Uncertain significance (1 of 4 stars; one submission).

Conditions:
Hereditary cancer-predisposing syndrome. Also called: Tumor predisposition; Hereditary Cancer Syndrome; Hereditary neoplastic syndrome; Neoplastic Syndromes, Hereditary. Identifiers: Orphanet 140162, MedGen C0027672, MeSH D009386, MONDO:0015356.

Submission:

Ambry Genetics
Classification: Uncertain significance for Hereditary cancer-predisposing syndrome. Last evaluated: 2023-06-21. Review status: criteria provided, single submitter. Criteria: Ambry Variant Classification Scheme 2023. Collection method: clinical testing. Allele origin: germline.
Comment: The p.S1970Y variant (also known as c.5909C>A), located in coding exon 43 of the POLE gene, results from a C to A substitution at nucleotide position 5909. The serine at codon 1970 is replaced by tyrosine, an amino acid with dissimilar properties. This amino acid position is conserved. In addition, this alteration is predicted to be tolerated by in silico analysis. Since supporting evidence is limited at this time, the clinical significance of this alteration remains unclear.

NM_006231.4(POLE):c.5909C>A (p.Ser1970Tyr)

Gene: POLE (DNA polymerase epsilon, catalytic subunit; minus strand). Cytogenetic location: 12q24.33.
Variant type: single nucleotide variant.
Coding change: c.5909C>A on transcript NM_006231.4 (MANE Select); coding-DNA position 5909, C replaced by A.
Protein change: p.Ser1970Tyr; replaces serine 1970 with tyrosine.
Molecular consequence: missense variant.
Genome position (GRCh38, 1-based): chr12:132,634,281, G>T on the plus strand (C>A on the coding strand, the complement: POLE is on the minus strand). VCF-style: chr12-132634281-G-T. GRCh37 (hg19) VCF-style: chr12-133210867-G-T.
Other names: short protein forms S1970Y.
Identifiers: ClinVar variation 2625223 (VCV002625223.2), dbSNP rs1593712166, ClinGen allele CA387371615.